The following is an entry in ClinVar:

NM_020937.4(FANCM):c.3489C>G (p.Asp1163Glu)

Gene: FANCM (FA complementation group M; plus strand). Cytogenetic location: 14q21.2.
Variant type: single nucleotide variant.
Coding change: c.3489C>G on transcript NM_020937.4 (MANE Select); coding-DNA position 3489, C replaced by G.
Protein change: p.Asp1163Glu; replaces aspartic acid 1163 with glutamic acid.
Molecular consequence: missense variant.
Genome position (GRCh38, 1-based): chr14:45,176,243, C>G. VCF-style: chr14-45176243-C-G. GRCh37 (hg19) VCF-style: chr14-45645446-C-G.
Other names: c.3411C>G, p.Asp1137Glu (NM_001308133.2); short protein forms D1137E, D1163E.
Identifiers: ClinVar variation 2110607 (VCV002110607.5), dbSNP rs758363235, ClinGen allele CA7169516.
Genomic context (GRCh38, chr14:45,176,243, plus strand): 5'-GTTCGACGATGTGAGTCTTTCACCCTTGAACAGTAAAAGCGAATCTTTACCTGTGTCAGA[C>G]AAAACTGCTATTAGTGAAACGCCTCTGGTCTCTCAGTTCTTAATTTCTGATGAACTTTTG-3'
Protein context (NP_065988.1, residues 1153-1173): NSKSESLPVS[Asp1163Glu]KTAISETPLV

ClinVar aggregate classification (germline): Uncertain significance. Review status: criteria provided, multiple submitters, no conflicts (2 of 4 stars). 2 submissions from 2 submitters: Uncertain significance (2). Last evaluated 2025-03-29.

Conditions:
Inborn genetic diseases. Identifiers: MedGen C0950123, MeSH D030342.
Fanconi anemia (FA). Also called: Fanconi's anemia. Identifiers: Orphanet 84, MedGen C0015625, MeSH D005199, MONDO:0019391.

Allele frequency attached by ClinVar (database versions not stated): TOPMed below 0.00001.
gnomAD v4.1: 2 of 1,613,310 alleles (0.00012%); highest among the groups gnomAD compares: East Asian, 0.0045%; no homozygotes.

Submissions (2):

Labcorp Genetics (formerly Invitae), Labcorp
Classification: Uncertain significance for Fanconi anemia. Last evaluated: 2025-03-29. Review status: criteria provided, single submitter. Criteria: Invitae Variant Classification Sherloc (09022015). Collection method: clinical testing. Allele origin: germline.
Comment: This sequence change replaces aspartic acid, which is acidic and polar, with glutamic acid, which is acidic and polar, at codon 1163 of the FANCM protein (p.Asp1163Glu). This variant is present in population databases (rs758363235, gnomAD 0.006%). This variant has not been reported in the literature in individuals affected with FANCM-related conditions. ClinVar contains an entry for this variant (Variation ID: 2110607). An algorithm developed to predict the effect of missense changes on protein structure and function outputs the following: PolyPhen-2: "Benign". The glutamic acid amino acid residue is found in multiple mammalian species, which suggests that this missense change does not adversely affect protein function. In summary, the available evidence is currently insufficient to determine the role of this variant in disease. Therefore, it has been classified as a Variant of Uncertain Significance.

Ambry Genetics
Classification: Uncertain significance for Inborn genetic diseases. Last evaluated: 2025-01-18. Review status: criteria provided, single submitter. Criteria: Ambry Variant Classification Scheme 2023. Collection method: clinical testing. Allele origin: germline.
Comment: The p.D1163E variant (also known as c.3489C>G), located in coding exon 14 of the FANCM gene, results from a C to G substitution at nucleotide position 3489. The aspartic acid at codon 1163 is replaced by glutamic acid, an amino acid with highly similar properties. This amino acid position is conserved. In addition, this alteration is predicted to be tolerated by in silico analysis. Based on the available evidence, the clinical significance of this variant remains unclear.